The following is an entry in ClinVar:

ClinVar aggregate classification (germline): Uncertain significance (1 of 4 stars; one submission).

Conditions:
Dyskeratosis congenita, autosomal dominant 2. Identifiers: MedGen C3151443, MONDO:0013521, OMIM 613989.
Idiopathic Pulmonary Fibrosis. Also called: Idiopathic fibrosing alveolitis, chronic form; idiopathic fibrosing alveolitis. Identifiers: Orphanet 2032, MedGen C1800706, MeSH D054990, MONDO:0800504.

Allele frequency attached by ClinVar (database versions not stated): gnomAD exomes below 0.00001.
gnomAD v4.1: 4 of 1,553,524 alleles (0.00026%); highest among the groups gnomAD compares: South Asian, 0.0047%; no homozygotes.

Submission:

Labcorp Genetics (formerly Invitae), Labcorp
Classification: Uncertain significance for Dyskeratosis congenita, autosomal dominant 2; Idiopathic Pulmonary Fibrosis. Last evaluated: 2023-07-27. Review status: criteria provided, single submitter. Criteria: Invitae Variant Classification Sherloc (09022015). Collection method: clinical testing. Allele origin: germline.
Comment: This variant has not been reported in the literature in individuals affected with TERT-related conditions. This variant is not present in population databases (gnomAD no frequency). This sequence change replaces threonine, which is neutral and polar, with isoleucine, which is neutral and non-polar, at codon 310 of the TERT protein (p.Thr310Ile). Advanced modeling of protein sequence and biophysical properties (such as structural, functional, and spatial information, amino acid conservation, physicochemical variation, residue mobility, and thermodynamic stability) has been performed at Invitae for this missense variant, however the output from this modeling did not meet the statistical confidence thresholds required to predict the impact of this variant on TERT protein function. In summary, the available evidence is currently insufficient to determine the role of this variant in disease. Therefore, it has been classified as a Variant of Uncertain Significance.

NM_198253.3(TERT):c.929C>T (p.Thr310Ile)

Gene: TERT (telomerase reverse transcriptase; minus strand). Cytogenetic location: 5p15.33.
Variant type: single nucleotide variant.
Coding change: c.929C>T on transcript NM_198253.3 (MANE Select); coding-DNA position 929, C replaced by T.
Protein change: p.Thr310Ile; replaces threonine 310 with isoleucine.
Molecular consequence: missense variant. On other transcripts: non-coding transcript variant (2).
Genome position (GRCh38, 1-based): chr5:1,293,957, G>A on the plus strand (C>T on the coding strand, the complement: TERT is on the minus strand). VCF-style: chr5-1293957-G-A. GRCh37 (hg19) VCF-style: chr5-1294072-G-A.
Other names: c.929C>T, p.Thr310Ile (NM_001193376.3, NM_003219.1); short protein forms T310I.
Identifiers: ClinVar variation 2939474 (VCV002939474.3), dbSNP rs913797785, ClinGen allele CA112914866.